The following is an entry in ClinVar:

NM_015662.3(IFT172):c.798C>T (p.Phe266=)

Gene: IFT172 (intraflagellar transport 172; minus strand). Cytogenetic location: 2p23.3.
Variant type: single nucleotide variant.
Coding change: c.798C>T on transcript NM_015662.3 (MANE Select); coding-DNA position 798, C replaced by T.
Protein change: p.Phe266=; no amino-acid change (phenylalanine 266 retained).
Molecular consequence: synonymous variant.
Genome position (GRCh38, 1-based): chr2:27,480,137, G>A on the plus strand (C>T on the coding strand, the complement: IFT172 is on the minus strand). VCF-style: chr2-27480137-G-A. GRCh37 (hg19) VCF-style: chr2-27703004-G-A.
Other names: c.798C>T (NM_015662.2).
Identifiers: ClinVar variation 1594790 (VCV001594790.9), dbSNP rs755850960, ClinGen allele CA1580854.

ClinVar aggregate classification (germline): Likely benign. Review status: criteria provided, single submitter (1 of 4 stars). 2 submissions from 2 submitters: Likely benign (1). 1 of the submissions does not count toward it. Last evaluated 2022-08-22.

Conditions:
IFT172-related disorder. Also called: IFT172-related disorders; IFT172-related condition.
Retinitis pigmentosa 71 (RP71). Identifiers: Orphanet 791, MedGen C4225342, MONDO:0014618, OMIM 616394.
Short-rib thoracic dysplasia 10 with or without polydactyly (SRTD10). Identifiers: Orphanet 474, MedGen C3810175, MONDO:0014284, OMIM 615630.

Allele frequency attached by ClinVar (database versions not stated): ExAC 0.00001; gnomAD exomes 0.00001.
gnomAD v4.1: 3 of 1,613,832 alleles (0.00019%); highest among the groups gnomAD compares: Admixed American, 0.005%; no homozygotes.

Submissions (2):

Labcorp Genetics (formerly Invitae), Labcorp
Classification: Likely benign for Retinitis pigmentosa 71; Short-rib thoracic dysplasia 10 with or without polydactyly. Last evaluated: 2022-08-22. Review status: criteria provided, single submitter. Criteria: Invitae Variant Classification Sherloc (09022015). Collection method: clinical testing. Allele origin: germline.

PreventionGenetics, part of Exact Sciences
Classification: Likely benign for IFT172-related condition. Last evaluated: 2024-07-10. Review status: no assertion criteria provided. Collection method: clinical testing. Allele origin: germline. Not counted in ClinVar's aggregate classification.
Comment: This variant is classified as likely benign based on ACMG/AMP sequence variant interpretation guidelines (Richards et al. 2015 PMID: 25741868, with internal and published modifications).